The following is an entry in ClinVar:

NM_001080779.2(MYO1C):c.1066A>T (p.Arg356Trp)

Gene: MYO1C (myosin IC; minus strand). Cytogenetic location: 17p13.3.
Variant type: single nucleotide variant.
Coding change: c.1066A>T on transcript NM_001080779.2 (MANE Select); coding-DNA position 1066, A replaced by T.
Protein change: p.Arg356Trp; replaces arginine 356 with tryptophan.
Molecular consequence: missense variant.
Genome position (GRCh38, 1-based): chr17:1,479,457, T>A on the plus strand (A>T on the coding strand, the complement: MYO1C is on the minus strand). VCF-style: chr17-1479457-T-A. GRCh37 (hg19) VCF-style: chr17-1382751-T-A.
Other names: c.1009A>T, p.Arg337Trp (NM_001080950.2); c.994A>T, p.Arg332Trp (NM_001363855.1); c.961A>T, p.Arg321Trp (NM_033375.5); short protein forms R332W, R321W, R356W, R337W.
Identifiers: ClinVar variation 4984862 (VCV004984862.1).

ClinVar aggregate classification (germline): Uncertain significance (1 of 4 stars; one submission).

Conditions:
MYO1C-related disorder. Also called: MYO1C-related condition.

gnomAD v4.1: 1 of 1,507,126 alleles (0.000066%); highest among the groups gnomAD compares: Non-Finnish European, 0.00009%; no homozygotes.

Submission:

PreventionGenetics, part of Exact Sciences
Classification: Uncertain significance for MYO1C-related condition. Last evaluated: 2025-11-19. Review status: criteria provided, single submitter. Criteria: ACMG Guidelines, 2015. Collection method: clinical testing. Allele origin: germline.
Comment: The MYO1C c.961A>T variant is predicted to result in the amino acid substitution p.Arg321Trp. To our knowledge, this variant has not been reported in the literature or in a large population database (gnomAD), indicating this variant is rare. At this time, the clinical significance of this variant is uncertain due to the absence of conclusive functional and genetic evidence.